The following is an entry in ClinVar:

ClinVar aggregate classification (germline): Likely pathogenic (1 of 4 stars; one submission).

Conditions:
Mucopolysaccharidosis, MPS-IV-A (MPS4A). Also called: Mucopolysaccharidosis type IV A; Mucopolysaccharidosis Type IVA; Morquio syndrome A, mild; MORQUIO SYNDROME A; MPS IVA; mucopolysaccharidosis type 4A. Identifiers: Orphanet 309297, Orphanet 582, MedGen C0086651, MONDO:0009659, OMIM 253000.

Submission:

Laboratory of Diagnosis and Therapy of Lysosomal Disorders, University of Padova
Classification: Likely pathogenic for Mucopolysaccharidosis, MPS-IV-A. Last evaluated: 2021-02-01. Review status: criteria provided, single submitter. Criteria: ACMG Guidelines, 2015. Collection method: curation. Allele origin: germline. Affected: yes.
Comment: Splicing variant in canonical site (PVS1_very strong); absent from gnomAD v2.1.1 (PM2_moderate)

Literature cited by the submitters: PubMed 20574428; PubMed 34387910.

NM_000512.5(GALNS):c.634-1G>A

Gene: GALNS (galactosamine (N-acetyl)-6-sulfatase; minus strand). Cytogenetic location: 16q24.3.
Variant type: single nucleotide variant.
Coding change: c.634-1G>A on transcript NM_000512.5 (MANE Select); the canonical splice acceptor site of the intron before coding-DNA position 634, G replaced by A.
Molecular consequence: splice acceptor variant.
Genome position (GRCh38, 1-based): chr16:88,835,850, C>T on the plus strand (G>A on the coding strand, the complement: GALNS is on the minus strand). VCF-style: chr16-88835850-C-T. GRCh37 (hg19) VCF-style: chr16-88902258-C-T.
Other names: c.79-1G>A (NM_001323543.2); c.652-1G>A (NM_001323544.2).
Identifiers: ClinVar variation 1048466 (VCV001048466.3), dbSNP rs2143001463, ClinGen allele CA397080858.